The following is an entry in ClinVar:

ClinVar aggregate classification (germline): Pathogenic (1 of 4 stars; one submission).

Conditions:
Familial cancer of breast. Also called: hereditary breast carcinoma; Hereditary breast cancer; BREAST CANCER, FAMILIAL. Identifiers: Orphanet 227535, MedGen C0346153, MONDO:0016419, OMIM 114480. Disease mechanism: loss of function.

Submission:

Labcorp Genetics (formerly Invitae), Labcorp
Classification: Pathogenic for Familial cancer of breast. Last evaluated: 2023-07-12. Review status: criteria provided, single submitter. Criteria: Invitae Variant Classification Sherloc (09022015). Collection method: clinical testing. Allele origin: germline.
Comment: This sequence change creates a premature translational stop signal (p.Glu219Valfs*25) in the CHEK2 gene. It is expected to result in an absent or disrupted protein product. Loss-of-function variants in CHEK2 are known to be pathogenic (PMID: 21876083, 24713400). This variant is not present in population databases (gnomAD no frequency). This variant has not been reported in the literature in individuals affected with CHEK2-related conditions. For these reasons, this variant has been classified as Pathogenic.

Literature cited by the submitters: PubMed 21876083; PubMed 24713400.

NM_007194.4(CHEK2):c.656_657del (p.Glu219fs)

Gene: CHEK2 (checkpoint kinase 2; minus strand). Cytogenetic location: 22q12.1.
Variant type: Deletion.
Coding change: c.656_657del on transcript NM_007194.4 (MANE Select); coding-DNA positions 656 to 657, 2 bases deleted (AA; older notation c.656_657delAA).
Protein change: p.Glu219fs; shifts the reading frame from glutamic acid 219.
Molecular consequence: frameshift variant. On other transcripts: 5 prime UTR variant (2), intron variant (1).
Genome position (GRCh38, 1-based): chr22:28,719,421-28,719,422, TT deleted on the plus strand (AA on the coding strand, the reverse complement: CHEK2 is on the minus strand). VCF-style (leftmost placement, unchanged base first): chr22-28719420-ATT-A. GRCh37 (hg19) VCF-style: chr22-29115408-ATT-A.
Other names: c.785_786del, p.Glu262fs (NM_001005735.3, NM_001438294.1); c.-8_-7del (NM_001257387.3, NM_001437942.1); c.749_750del, p.Glu250fs (NM_001438293.1, NM_001438295.1); c.656_657del, p.Glu219fs (NM_145862.3); c.482+5464_482+5465del (NM_001349956.3); short protein forms E219fs, E262fs, E250fs.
Identifiers: ClinVar variation 2738983 (VCV002738983.3), dbSNP rs2518009015, ClinGen allele CA2697552648.
Genomic context (GRCh38, chr22:28,719,420, plus strand): 5'-AAAATTAAGTGCATTTATATAAGAAAATAATTTACCTTCCAAGAGTTTTTGACATGATGT[ATT>A]CATCTCTTAATGCCTTAGGATAAACTGACTGATCATCTACAGTCAGATCAAAAAAGACAA-3'